The following is an entry in ClinVar:

ClinVar aggregate classification (germline): Benign. Review status: criteria provided, multiple submitters, no conflicts (2 of 4 stars). 3 submissions from 3 submitters: Benign (3). Last evaluated 2025-09-30.

Conditions:
Atypical hemolytic-uremic syndrome. Identifiers: Orphanet 2134, MedGen C2931788, MONDO:0016244.
Complement component 3 deficiency. Identifiers: Orphanet 280133, MedGen C3151071, MONDO:0013417, OMIM 613779.
C3 glomerulonephritis. Also called: C3 GLOMERULOPATHY 3; Nephropathy due to CFHR5 Deficiency. Identifiers: Orphanet 329931, MedGen C4055342, MONDO:0013892, OMIM 614809.

Allele frequency attached by ClinVar (database versions not stated): gnomAD exomes 0.02081; gnomAD 0.07925 and 0.08253; TOPMed 0.08858; 1000 Genomes Project 0.10304; 1000 Genomes Project 30x 0.10493.
gnomAD v4.1: 23,808 of 708,672 alleles (3.4%); highest among the groups gnomAD compares: African/African-American, 25%; 2,157 homozygotes.

Submissions (3):

Genomenon, Inc
Classification: Benign for Complement component 3 deficiency; C3 glomerulonephritis; Atypical hemolytic-uremic syndrome. Last evaluated: 2025-09-30. Review status: criteria provided, single submitter. Criteria: Genomenon Sequence Variant Interpretation Standards. Collection method: curation. Allele origin: germline. Affected: no.
Comment: C3 c.3647-206G>A is a deeply intronic variant located in intron 28. This variant is present at high allele frequency in population databases. In conclusion, we classify C3 c.3647-206G>A as a benign variant.

GeneDx
Classification: Benign. Last evaluated: 2021-06-19. Review status: criteria provided, single submitter. Criteria: GeneDx Variant Classification Process June 2021. Collection method: clinical testing. Allele origin: germline. Affected: yes.

Breakthrough Genomics
Classification: Benign. Review status: criteria provided, single submitter. Criteria: ACMG Guidelines, 2015. Collection method: not provided. Allele origin: germline. Inheritance: Autosomal recessive inheritance. Affected: yes.

NM_000064.4(C3):c.3647-206G>A

Gene: C3 (complement C3; minus strand). Cytogenetic location: 19p13.3.
Variant type: single nucleotide variant.
Coding change: c.3647-206G>A on transcript NM_000064.4 (MANE Select); 206 bases into the intron before coding-DNA position 3647, G replaced by A.
Molecular consequence: intron variant.
Genome position (GRCh38, 1-based): chr19:6,686,493, C>T on the plus strand (G>A on the coding strand, the complement: C3 is on the minus strand). VCF-style: chr19-6686493-C-T. GRCh37 (hg19) VCF-style: chr19-6686504-C-T.
Identifiers: ClinVar variation 1242784 (VCV001242784.4), dbSNP rs2241391, ClinGen allele CA14724675.
Genomic context (GRCh38, chr19:6,686,493, plus strand): 5'-CTGCCTTACCTCTCTTGTTTCATCAACTCTCACTTCTCCCTTTGAAATGAATGCTTAATA[C>T]GCATTTGTTGAATAAATGACGCAACAAACTTTCTCGTGTGGTTTACAATGAGGACCTGCG-3'